The following is an entry in ClinVar:

NM_052867.4(NALCN):c.1360G>A (p.Glu454Lys)

Gene: NALCN (sodium leak channel, non-selective; minus strand). Cytogenetic location: 13q33.1.
Variant type: single nucleotide variant.
Coding change: c.1360G>A on transcript NM_052867.4 (MANE Select); coding-DNA position 1360, G replaced by A.
Protein change: p.Glu454Lys; replaces glutamic acid 454 with lysine.
Molecular consequence: missense variant.
Genome position (GRCh38, 1-based): chr13:101,237,829, C>T on the plus strand (G>A on the coding strand, the complement: NALCN is on the minus strand). VCF-style: chr13-101237829-C-T. GRCh37 (hg19) VCF-style: chr13-101890180-C-T.
Other names: c.1360G>A, p.Glu454Lys (NM_001350748.2, NM_001350749.2); c.1273G>A, p.Glu425Lys (NM_001350750.2, NM_001350751.2); short protein forms E425K, E454K.
Identifiers: ClinVar variation 3623267 (VCV003623267.2).

ClinVar aggregate classification (germline): Uncertain significance (1 of 4 stars; one submission).

gnomAD v4.1: 12 of 1,605,700 alleles (0.00075%); highest among the groups gnomAD compares: South Asian, 0.0089%; no homozygotes.

Submission:

Labcorp Genetics (formerly Invitae), Labcorp
Classification: Uncertain significance. Last evaluated: 2024-12-19. Review status: criteria provided, single submitter. Criteria: Invitae Variant Classification Sherloc (09022015). Collection method: clinical testing. Allele origin: germline.
Comment: This sequence change replaces glutamic acid, which is acidic and polar, with lysine, which is basic and polar, at codon 454 of the NALCN protein (p.Glu454Lys). This variant is present in population databases (rs745318137, gnomAD 0.003%). This variant has not been reported in the literature in individuals affected with NALCN-related conditions. Invitae Evidence Modeling of protein sequence and biophysical properties (such as structural, functional, and spatial information, amino acid conservation, physicochemical variation, residue mobility, and thermodynamic stability) indicates that this missense variant is expected to disrupt NALCN protein function with a positive predictive value of 80%. In summary, the available evidence is currently insufficient to determine the role of this variant in disease. Therefore, it has been classified as a Variant of Uncertain Significance.